The following is an entry in ClinVar:

ClinVar aggregate classification (germline): Likely pathogenic. Review status: criteria provided, multiple submitters, no conflicts (2 of 4 stars). 2 submissions from 2 submitters: Likely pathogenic (2). Last evaluated 2018-06-01.

Submissions (2):

CeGaT Center for Human Genetics Tuebingen
Classification: Likely pathogenic. Last evaluated: 2018-06-01. Review status: criteria provided, single submitter. Criteria: CeGaT Center For Human Genetics Tuebingen Variant Classification Criteria Version 2. Collection method: clinical testing. Allele origin: germline. Affected: yes. Observed: 1 variant allele.

GeneDx
Classification: Likely pathogenic. Last evaluated: 2016-02-29. Review status: criteria provided, single submitter. Criteria: GeneDx Variant Classification (06012015). Collection method: clinical testing. Allele origin: germline. Affected: yes.
Comment: A novel H524Y variant that is likely pathogenic was identified in the OCRL gene. It has not been published as a pathogenic variant, nor has it been reported as a benign variant to our knowledge. The variant was not observed in approximately 6,500 individuals of European and African American ancestry in the NHLBI Exome Sequencing Project, indicating it is not a common benign variant in these populations. H524Y is a non-conservative amino acid substitution, which is likely to impact secondary protein structure as these residues differ in polarity, charge, size and/or other properties. This substitution occurs at a position within the 5-phosphatase region that is conserved across species, and in silico analysis predicts this variant is probably damaging to the protein structure/function. Missense variants in nearby residues (S522R, D523N/Y/G, P526S/T/L) have been reported in the Human Gene Mutation Database in association with OCRL-related disorders (Stenson et al., 2014), supporting the functional importance of this region of the protein. Therefore, this variant is likely pathogenic; however, the possibility that it is benign cannot be excluded.

NM_000276.4(OCRL):c.1570C>T (p.His524Tyr)

Gene: OCRL (OCRL inositol polyphosphate-5-phosphatase; plus strand). Cytogenetic location: Xq26.1.
Variant type: single nucleotide variant.
Coding change: c.1570C>T on transcript NM_000276.4 (MANE Select); coding-DNA position 1570, C replaced by T.
Protein change: p.His524Tyr; replaces histidine 524 with tyrosine.
Molecular consequence: missense variant.
Genome position (GRCh38, 1-based): chrX:129,569,367, C>T. VCF-style: chrX-129569367-C-T. GRCh37 (hg19) VCF-style: chrX-128703344-C-T.
Other names: c.1573C>T, p.His525Tyr (NM_001318784.2); c.1570C>T, p.His524Tyr (NM_001587.4); short protein forms H524Y, H525Y.
Identifiers: ClinVar variation 384439 (VCV000384439.44), dbSNP rs1057521952, ClinGen allele CA16608732.